The following is an entry in ClinVar:

ClinVar aggregate classification (germline): Benign/Likely benign. Review status: criteria provided, multiple submitters, no conflicts (2 of 4 stars). 11 submissions from 11 submitters: Benign (7); Likely benign (1). 3 of the submissions do not count toward it. Last evaluated 2026-02-03.

Conditions:
Myosin storage myopathy (CMYO7A). Also called: MYOPATHY, HYALINE BODY, AUTOSOMAL DOMINANT; Scapuloperoneal myopathy, MYH7-related; MYH7-related late-onset scapuloperoneal muscular dystrophy; Congenital myopathy 7A, myosin storage, autosomal dominant; MYOPATHY WITH LYSIS OF TYPE I MYOFIBRILS; SCAPULOPERONEAL MUSCULAR DYSTROPHY. Identifiers: Orphanet 437572, Orphanet 636965, MedGen C1842160, MONDO:0008409, OMIM 608358.
Myopathy, myosin storage, autosomal recessive (CMYO7B). Also called: CONGENITAL MYOPATHY 7B, MYOSIN STORAGE, AUTOSOMAL RECESSIVE. Identifiers: Orphanet 636970, MedGen C1850709, MONDO:0009708, OMIM 255160.
Hypertrophic cardiomyopathy 1 (CMH1). Also called: Familial hypertrophic cardiomyopathy 1; MYH7-Related Familial Hypertrophic Cardiomyopathy. Identifiers: MedGen C3495498, MONDO:0008647, OMIM 192600.
MYH7-related skeletal myopathy. Also called: Myopathy, distal, 1; MYOPATHY, DISTAL, EARLY-ONSET, AUTOSOMAL DOMINANT; MYOPATHY, LATE DISTAL HEREDITARY; Laing distal myopathy; Laing early-onset distal myopathy. Identifiers: Orphanet 59135, MedGen C4552004, MONDO:0008050, OMIM 160500.
Congenital myopathy with fiber type disproportion. Also called: Congenital fiber-type disproportion; Congenital fiber-type disproportion myopathy. Identifiers: Orphanet 2020, MedGen C0546264, MONDO:0009711. Inheritance: all.
Dilated cardiomyopathy 1S (CMD1S). Identifiers: Orphanet 154, Orphanet 54260, MedGen C1834481, MONDO:0013262, OMIM 613426.
Hypertrophic cardiomyopathy. Also called: HYPERTROPHIC MYOCARDIOPATHY. Identifiers: Orphanet 217569, MedGen C0007194, MeSH D002312, MONDO:0005045, HP:0001639.

Allele frequency attached by ClinVar (database versions not stated): gnomAD exomes 0.00050 and 0.00113; ExAC 0.00128; ESP Exome Variant Server 0.00384; gnomAD 0.00403 and 0.00424; TOPMed 0.00504; 1000 Genomes Project 30x 0.00609; 1000 Genomes Project 0.00639.

Submissions (11):

Labcorp Genetics (formerly Invitae), Labcorp
Classification: Benign for Hypertrophic cardiomyopathy. Last evaluated: 2026-02-03. Review status: criteria provided, single submitter. Criteria: Invitae Variant Classification Sherloc (09022015). Collection method: clinical testing. Allele origin: germline.

ARUP Laboratories, Molecular Genetics and Genomics, ARUP Laboratories
Classification: Benign. Last evaluated: 2025-07-08. Review status: criteria provided, single submitter. Criteria: ARUP Molecular Germline Variant Investigation Process 2024. Collection method: clinical testing. Allele origin: germline.

Blueprint Genetics
Classification: Likely benign. Last evaluated: 2024-11-12. Review status: criteria provided, single submitter. Criteria: ACMG Guidelines, 2015. Collection method: clinical testing. Allele origin: germline.

Fulgent Genetics
Classification: Benign for MYH7-related skeletal myopathy; Myosin storage myopathy; Hypertrophic cardiomyopathy 1; Myopathy, myosin storage, autosomal recessive; Congenital myopathy 4A, autosomal dominant; Dilated cardiomyopathy 1S. Last evaluated: 2021-07-23. Review status: criteria provided, single submitter. Criteria: ACMG Guidelines, 2015. Collection method: clinical testing. Allele origin: unknown.

Women's Health and Genetics/Laboratory Corporation of America, LabCorp
Classification: Benign. Last evaluated: 2021-03-11. Review status: criteria provided, single submitter. Criteria: LabCorp Variant Classification Summary - May 2015. Collection method: clinical testing. Allele origin: germline.
Comment: Variant summary: MYH7 c.3972+16G>A alters a nucleotide located close to a canonical splice site and therefore could affect mRNA splicing, leading to a significantly altered protein sequence. 4/4 computational tools predict no significant impact on normal splicing. However, these predictions have yet to be confirmed by functional studies. The variant allele was found at a frequency of 0.0011 in 251444 control chromosomes, predominantly at a frequency of 0.015 within the African or African-American subpopulation in the gnomAD database, including 2 homozygotes. The observed variant frequency within African or African-American control individuals in the gnomAD database is approximately 11.99 fold of the estimated maximal expected allele frequency for a pathogenic variant in MYH7 causing Cardiomyopathy phenotype (0.0013), strongly suggesting that the variant is a benign polymorphism found primarily in populations of African or African-American origin. To our knowledge, no occurrence of c.3972+16G>A in individuals affected with Cardiomyopathy and no experimental evidence demonstrating its impact on protein function have been reported. No clinical diagnostic laboratories have submitted clinical-significance assessments for this variant to ClinVar after 2014. Based on the evidence outlined above, the variant was classified as benign.

GeneDx
Classification: Benign. Last evaluated: 2015-03-03. Review status: criteria provided, single submitter. Criteria: GeneDx Variant Classification Process June 2021. Collection method: clinical testing. Allele origin: germline. Affected: yes.

Breakthrough Genomics
Classification: Benign. Review status: criteria provided, single submitter. Criteria: ACMG Guidelines, 2015. Collection method: not provided. Allele origin: germline. Inheritance: Autosomal recessive inheritance. Affected: yes.

PreventionGenetics, part of Exact Sciences
Classification: Benign. Review status: criteria provided, single submitter. Criteria: ACMG Guidelines, 2015. Collection method: clinical testing. Allele origin: germline.

Clinical Genetics DNA and cytogenetics Diagnostics Lab, Erasmus MC, Erasmus Medical Center
Classification: Benign. Review status: no assertion criteria provided. Collection method: clinical testing. Allele origin: germline. Affected: yes. Study: VKGL Data-share Consensus. Not counted in ClinVar's aggregate classification.

Clinical Genetics, Academic Medical Center
Classification: Benign. Review status: no assertion criteria provided. Collection method: clinical testing. Allele origin: germline. Affected: yes. Study: VKGL Data-share Consensus. Not counted in ClinVar's aggregate classification.

Genome Diagnostics Laboratory, University Medical Center Utrecht
Classification: Benign. Review status: no assertion criteria provided. Collection method: clinical testing. Allele origin: germline. Affected: yes. Study: VKGL Data-share Consensus. Not counted in ClinVar's aggregate classification.

NM_000257.4(MYH7):c.3972+16G>A

Gene: MYH7 (myosin heavy chain 7; minus strand). Cytogenetic location: 14q11.2.
Variant type: single nucleotide variant.
Coding change: c.3972+16G>A on transcript NM_000257.4 (MANE Select); 16 bases into the intron after coding-DNA position 3972, G replaced by A.
Molecular consequence: intron variant.
Genome position (GRCh38, 1-based): chr14:23,419,161, C>T on the plus strand (G>A on the coding strand, the complement: MYH7 is on the minus strand). VCF-style: chr14-23419161-C-T. GRCh37 (hg19) VCF-style: chr14-23888370-C-T.
Identifiers: ClinVar variation 188631 (VCV000188631.21), dbSNP rs114978322, ClinGen allele CA014278.